The following is an entry in ClinVar:

ClinVar aggregate classification (germline): Uncertain significance (1 of 4 stars; one submission).

Submission:

GeneDx
Classification: Uncertain significance. Last evaluated: 2025-02-19. Review status: criteria provided, single submitter. Criteria: GeneDx Variant Classification Process June 2021. Collection method: clinical testing. Allele origin: germline. Affected: yes.
Comment: Not observed at significant frequency in large population cohorts (gnomAD); In silico analysis indicates that this missense variant does not alter protein structure/function; Has not been previously published as pathogenic or benign to our knowledge

NM_004859.4(CLTC):c.2599C>G (p.His867Asp)

Gene: CLTC (clathrin heavy chain; plus strand). Cytogenetic location: 17q23.1.
Variant type: single nucleotide variant.
Coding change: c.2599C>G on transcript NM_004859.4 (MANE Select); coding-DNA position 2599, C replaced by G.
Protein change: p.His867Asp; replaces histidine 867 with aspartic acid.
Molecular consequence: missense variant.
Genome position (GRCh38, 1-based): chr17:59,676,991, C>G. VCF-style: chr17-59676991-C-G. GRCh37 (hg19) VCF-style: chr17-57754352-C-G.
Other names: c.2611C>G, p.His871Asp (NM_001288653.2); short protein forms H867D, H871D.
Identifiers: ClinVar variation 4076718 (VCV004076718.1).